The following is an entry in ClinVar:

ClinVar aggregate classification (germline): Conflicting classifications of pathogenicity. Review status: criteria provided, conflicting classifications (1 of 4 stars). 2 submissions from 2 submitters: Uncertain significance (1); Likely benign (1). Last evaluated 2024-08-01.

Conditions:
X-linked sideroblastic anemia 1. Also called: ANEMIA, SIDEROBLASTIC, 1, PYRIDOXINE REFRACTORY; Erythroid 5-aminolevulinate synthase deficiency; X chromosome-linked sideroblastic anemia; Anemia, sideroblastic, 1; Anemia, hereditary sideroblastic 1, pyridoxine refractory; X-linked pyridoxine-refractory sideroblastic anemia. Identifiers: Orphanet 75563, MedGen C4551511, MONDO:0020721, OMIM 300751. Disease mechanism: loss of function.

Allele frequency attached by ClinVar (database versions not stated): gnomAD exomes below 0.00001 and 0.00001; ExAC 0.00002.
gnomAD v4.1: 2 of 1,206,438 alleles (0.00017%); highest among the groups gnomAD compares: Non-Finnish European, 0.00022%; no homozygotes.

Submissions (2):

CeGaT Center for Human Genetics Tuebingen
Classification: Likely benign. Last evaluated: 2024-08-01. Review status: criteria provided, single submitter. Criteria: CeGaT Center For Human Genetics Tuebingen Variant Classification Criteria Version 2. Collection method: clinical testing. Allele origin: germline. Affected: yes. Observed: 1 variant allele.
Comment: ALAS2: BP4, BP7

Illumina Laboratory Services, Illumina
Classification: Uncertain significance for X-linked sideroblastic anemia 1. Last evaluated: 2018-01-12. Review status: criteria provided, single submitter. Criteria: ICSL Variant Classification Criteria 13 December 2019. Collection method: clinical testing. Allele origin: germline.

NM_000032.5(ALAS2):c.1335C>T (p.Ala445=)

Gene: ALAS2 (5'-aminolevulinate synthase 2; minus strand). Cytogenetic location: Xp11.21.
Variant type: single nucleotide variant.
Coding change: c.1335C>T on transcript NM_000032.5 (MANE Select); coding-DNA position 1335, C replaced by T.
Protein change: p.Ala445=; no amino-acid change (alanine 445 retained).
Molecular consequence: synonymous variant.
Genome position (GRCh38, 1-based): chrX:55,014,849, G>A on the plus strand (C>T on the coding strand, the complement: ALAS2 is on the minus strand). VCF-style: chrX-55014849-G-A. GRCh37 (hg19) VCF-style: chrX-55041282-G-A.
Other names: c.1335C>T, p.Ala445= (LRG_1163t1); c.1224C>T, p.Ala408= (NM_001037967.4); c.1296C>T, p.Ala432= (NM_001037968.4).
Identifiers: ClinVar variation 368593 (VCV000368593.21), dbSNP rs765603040, ClinGen allele CA10428315.